The following is an entry in ClinVar:

ClinVar aggregate classification (germline): Uncertain significance. Review status: criteria provided, multiple submitters, no conflicts (2 of 4 stars). 2 submissions from 2 submitters: Uncertain significance (2). Last evaluated 2024-07-22.

Conditions:
Hereditary cancer-predisposing syndrome. Also called: Neoplastic Syndromes, Hereditary; Hereditary Cancer Syndrome; Hereditary neoplastic syndrome; Tumor predisposition. Identifiers: Orphanet 140162, MedGen C0027672, MeSH D009386, MONDO:0015356.
Bloom syndrome (BLM). Also called: Bloom-Torre-Machacek syndrome. Identifiers: Orphanet 125, MedGen C0005859, MONDO:0008876, OMIM 210900.

gnomAD v4.1: 13 of 1,614,152 alleles (0.00081%); highest among the groups gnomAD compares: East Asian, 0.0022%; no homozygotes.

Submissions (2):

Labcorp Genetics (formerly Invitae), Labcorp
Classification: Uncertain significance for Bloom syndrome. Last evaluated: 2024-07-22. Review status: criteria provided, single submitter. Criteria: Invitae Variant Classification Sherloc (09022015). Collection method: clinical testing. Allele origin: germline.
Comment: This sequence change replaces valine, which is neutral and non-polar, with leucine, which is neutral and non-polar, at codon 958 of the BLM protein (p.Val958Leu). This variant is not present in population databases (gnomAD no frequency). This variant has not been reported in the literature in individuals affected with BLM-related conditions. ClinVar contains an entry for this variant (Variation ID: 2042658). Advanced modeling of protein sequence and biophysical properties (such as structural, functional, and spatial information, amino acid conservation, physicochemical variation, residue mobility, and thermodynamic stability) performed at Invitae indicates that this missense variant is expected to disrupt BLM protein function with a positive predictive value of 80%. In summary, the available evidence is currently insufficient to determine the role of this variant in disease. Therefore, it has been classified as a Variant of Uncertain Significance.

Ambry Genetics
Classification: Uncertain significance for Hereditary cancer-predisposing syndrome. Last evaluated: 2023-12-14. Review status: criteria provided, single submitter. Criteria: Ambry Variant Classification Scheme 2023. Collection method: clinical testing. Allele origin: germline.
Comment: The p.V958L variant (also known as c.2872G>T), located in coding exon 14 of the BLM gene, results from a G to T substitution at nucleotide position 2872. The valine at codon 958 is replaced by leucine, an amino acid with highly similar properties. This amino acid position is conserved. In addition, this alteration is predicted to be deleterious by in silico analysis. Since supporting evidence is limited at this time, the clinical significance of this alteration remains unclear.

NM_000057.4(BLM):c.2872G>T (p.Val958Leu)

Gene: BLM (BLM RecQ like helicase; plus strand). Cytogenetic location: 15q26.1.
Variant type: single nucleotide variant.
Coding change: c.2872G>T on transcript NM_000057.4 (MANE Select); coding-DNA position 2872, G replaced by T.
Protein change: p.Val958Leu; replaces valine 958 with leucine.
Molecular consequence: missense variant.
Genome position (GRCh38, 1-based): chr15:90,790,697, G>T. VCF-style: chr15-90790697-G-T. GRCh37 (hg19) VCF-style: chr15-91333927-G-T.
Other names: c.2872G>T, p.Val958Leu (NM_001287246.2, NM_001287247.2); c.1747G>T, p.Val583Leu (NM_001287248.2); short protein forms V583L, V958L.
Identifiers: ClinVar variation 2042658 (VCV002042658.4), dbSNP rs775006576, ClinGen allele CA393846320.